The following is an entry in ClinVar:

NM_001374736.1(DST):c.22960-2A>C

Gene: DST (dystonin; minus strand). Cytogenetic location: 6p12.1.
Variant type: single nucleotide variant.
Coding change: c.22960-2A>C on transcript NM_001374736.1 (MANE Select); the canonical splice acceptor site of the intron before coding-DNA position 22960, A replaced by C.
Molecular consequence: splice acceptor variant. On other transcripts: intron variant (2).
Genome position (GRCh38, 1-based): chr6:56,463,158, T>G on the plus strand (A>C on the coding strand, the complement: DST is on the minus strand). VCF-style: chr6-56463158-T-G. GRCh37 (hg19) VCF-style: chr6-56327956-T-G.
Other names: c.16531-2A>C (NM_001144769.5); c.22888-2A>C (NM_001374722.1); c.22915-2A>C (NM_001374734.1); c.16117-2A>C (NM_001144770.2); c.15741+407A>C (NM_001374730.1); c.15979-2A>C (NM_001386100.1); c.15997-2A>C (NM_183380.4); c.21999+407A>C (NM_001374729.1); and 1 more.
Identifiers: ClinVar variation 2941429 (VCV002941429.3), dbSNP rs1312420010, ClinGen allele CA364504706.

ClinVar aggregate classification (germline): Likely pathogenic (1 of 4 stars; one submission).

Conditions:
Hereditary sensory and autonomic neuropathy type 6. Also called: HSAN VI; Neuropathy, hereditary sensory and autonomic, type VI. Identifiers: Orphanet 314381, MedGen C3539003, MONDO:0013839, OMIM 614653.
Epidermolysis bullosa simplex 3, localized or generalized intermediate, with BP230 deficiency (EBS3). Also called: Epidermolysis bullosa simplex due to BP230 deficiency; Epidermolysis bullosa simplex, autosomal recessive 2. Identifiers: Orphanet 412181, MedGen C3809470, MONDO:0014180, OMIM 615425.

gnomAD v4.1: 4 of 1,575,558 alleles (0.00025%); highest among the groups gnomAD compares: Non-Finnish European, 0.00035%; no homozygotes.

Submission:

Labcorp Genetics (formerly Invitae), Labcorp
Classification: Likely pathogenic for Epidermolysis bullosa simplex 3, localized or generalized intermediate, with BP230 deficiency; Hereditary sensory and autonomic neuropathy type 6. Last evaluated: 2022-11-09. Review status: criteria provided, single submitter. Criteria: Invitae Variant Classification Sherloc (09022015). Collection method: clinical testing. Allele origin: germline.
Comment: The DST gene has multiple clinically relevant transcripts. This variant occurs in alternate transcript NM_015548.4, and corresponds to NM_001723.5:c.*152359A>C in the primary transcript. This sequence change affects an acceptor splice site in intron 81 of the DST gene. It is expected to disrupt RNA splicing. Variants that disrupt the donor or acceptor splice site typically lead to a loss of protein function (PMID: 16199547), and loss-of-function variants in DST are known to be pathogenic (PMID: 22522446, 25059916, 30371979). This variant is present in population databases (no rsID available, gnomAD 0.0009%). This variant has not been reported in the literature in individuals affected with DST-related conditions. In summary, the currently available evidence indicates that the variant is pathogenic, but additional data are needed to prove that conclusively. Therefore, this variant has been classified as Likely Pathogenic.

Literature cited by the submitters: PubMed 16199547; PubMed 22522446; PubMed 25059916; PubMed 30371979.